The following is an entry in ClinVar:

ClinVar aggregate classification (germline): Uncertain significance (1 of 4 stars; one submission).

gnomAD v4.1: 2 of 1,611,528 alleles (0.00012%); highest among the groups gnomAD compares: Non-Finnish European, 0.00017%; no homozygotes.

Submission:

Ambry Genetics
Classification: Uncertain significance. Last evaluated: 2025-02-06. Review status: criteria provided, single submitter. Criteria: Ambry Variant Classification Scheme 2023. Collection method: clinical testing. Allele origin: germline.
Comment: The p.A479V variant (also known as c.1436C>T), located in coding exon 10 of the RINT1 gene, results from a C to T substitution at nucleotide position 1436. The alanine at codon 479 is replaced by valine, an amino acid with similar properties. This amino acid position is conserved. In addition, this alteration is predicted to be deleterious by in silico analysis. Based on the available evidence, the clinical significance of this variant remains unclear.

NM_021930.6(RINT1):c.1436C>T (p.Ala479Val)

Gene: RINT1 (RAD50 interactor 1; plus strand). Cytogenetic location: 7q22.3.
Variant type: single nucleotide variant.
Coding change: c.1436C>T on transcript NM_021930.6 (MANE Select); coding-DNA position 1436, C replaced by T.
Protein change: p.Ala479Val; replaces alanine 479 with valine.
Molecular consequence: missense variant. On other transcripts: non-coding transcript variant (1).
Genome position (GRCh38, 1-based): chr7:105,551,672, C>T. VCF-style: chr7-105551672-C-T. GRCh37 (hg19) VCF-style: chr7-105192119-C-T.
Other names: c.1202C>T, p.Ala401Val (NM_001346599.2); c.413C>T, p.Ala138Val (NM_001346600.2, NM_001346603.2); c.512C>T, p.Ala171Val (NM_001346601.2); short protein forms A479V, A171V, A401V, A138V.
Identifiers: ClinVar variation 3789230 (VCV003789230.1).